The following is an entry in ClinVar:

NM_020822.3(KCNT1):c.1483G>C (p.Glu495Gln)

Gene: KCNT1 (potassium sodium-activated channel subfamily T member 1; plus strand). Cytogenetic location: 9q34.3.
Variant type: single nucleotide variant.
Coding change: c.1483G>C on transcript NM_020822.3 (MANE Select); coding-DNA position 1483, G replaced by C.
Protein change: p.Glu495Gln; replaces glutamic acid 495 with glutamine.
Molecular consequence: missense variant.
Genome position (GRCh38, 1-based): chr9:135,768,910, G>C. VCF-style: chr9-135768910-G-C. GRCh37 (hg19) VCF-style: chr9-138660756-G-C.
Other names: c.1348G>C, p.Glu450Gln (NM_001272003.2); short protein forms E450Q, E495Q.
Identifiers: ClinVar variation 4788931 (VCV004788931.1).
Genomic context (GRCh38, chr9:135,768,910, plus strand): 5'-GCCTGGGCCGTGAAGGACTTCGCCCCCAACTGCCCCCTCTACGTCCAGATCCTCAAACCT[G>C]AAAACAAGTTTCACGTCAAGTTTGCTGGTGCGTCTGGGGCACACGTGGGTGATGGTGTAT-3'
Protein context (NP_065873.2, residues 485-505): CPLYVQILKP[Glu495Gln]NKFHVKFADH

ClinVar aggregate classification (germline): Uncertain significance (1 of 4 stars; one submission).

Conditions:
Autosomal dominant nocturnal frontal lobe epilepsy 5. Also called: CILIARY DYSKINESIA, PRIMARY, 28, WITHOUT SITUS INVERSUS; CILIARY DYSKINESIA, PRIMARY, 28, WITH SITUS INVERSUS; KCNT1-Related Epilepsy; Epilepsy, nocturnal frontal lobe, 5. Identifiers: Orphanet 98784, MedGen C3554306, MONDO:0014002, OMIM 615005.
Developmental and epileptic encephalopathy, 14 (DEE14). Also called: Early infantile epileptic encephalopathy 14. Identifiers: Orphanet 293181, MedGen C3554195, MONDO:0013989, OMIM 614959.

gnomAD v4.1: 8 of 1,613,396 alleles (0.0005%); highest among the groups gnomAD compares: African/African-American, 0.0027%; no homozygotes.

Submission:

Labcorp Genetics (formerly Invitae), Labcorp
Classification: Uncertain significance for Autosomal dominant nocturnal frontal lobe epilepsy 5; Developmental and epileptic encephalopathy, 14. Last evaluated: 2025-12-03. Review status: criteria provided, single submitter. Criteria: Invitae Variant Classification Sherloc (09022015). Collection method: clinical testing. Allele origin: germline.
Comment: This sequence change replaces glutamic acid, which is acidic and polar, with glutamine, which is neutral and polar, at codon 495 of the KCNT1 protein (p.Glu495Gln). This variant is present in population databases (rs779779036, gnomAD 0.01%). This variant has not been reported in the literature in individuals affected with KCNT1-related conditions. Invitae Evidence Modeling of protein sequence and biophysical properties (such as structural, functional, and spatial information, amino acid conservation, physicochemical variation, residue mobility, and thermodynamic stability) has been performed for this missense variant. However, the output from this modeling did not meet the statistical confidence thresholds required to predict the impact of this variant on KCNT1 protein function. In summary, the available evidence is currently insufficient to determine the role of this variant in disease. Therefore, it has been classified as a Variant of Uncertain Significance.